The following is an entry in ClinVar:

NM_001369268.1(ACAN):c.6451G>A (p.Gly2151Ser)

Gene: ACAN (aggrecan; plus strand). Cytogenetic location: 15q26.1.
Variant type: single nucleotide variant.
Coding change: c.6451G>A on transcript NM_001369268.1 (MANE Select); coding-DNA position 6451, G replaced by A.
Protein change: p.Gly2151Ser; replaces glycine 2151 with serine.
Molecular consequence: missense variant.
Genome position (GRCh38, 1-based): chr15:88,859,036, G>A. VCF-style: chr15-88859036-G-A. GRCh37 (hg19) VCF-style: chr15-89402267-G-A.
Other names: c.6451G>A, p.Gly2151Ser (NM_001135.4, NM_001411096.1, NM_001411097.1 and 1 more transcripts); short protein forms G2151S.
Identifiers: ClinVar variation 2325929 (VCV002325929.4), dbSNP rs143156437, ClinGen allele CA7720404.

ClinVar aggregate classification (germline): Uncertain significance. Review status: criteria provided, multiple submitters, no conflicts (2 of 4 stars). 2 submissions from 2 submitters: Uncertain significance (2). Last evaluated 2026-05-05.

Conditions:
Inborn genetic diseases. Identifiers: MedGen C0950123, MeSH D030342.

Allele frequency attached by ClinVar (database versions not stated): ExAC 0.00005; TOPMed 0.00011; 1000 Genomes Project 30x 0.00062; 1000 Genomes Project 0.00080; ESP Exome Variant Server 0.00016; gnomAD 0.00024.
gnomAD v4.1: 75 of 1,613,948 alleles (0.0046%); highest among the groups gnomAD compares: Middle Eastern, 0.066%; 2 homozygotes.

Submissions (2):

Women's Health and Genetics/Laboratory Corporation of America, LabCorp
Classification: Uncertain significance. Last evaluated: 2026-05-05. Review status: criteria provided, single submitter. Criteria: LabCorp Variant Classification Summary - May 2015. Collection method: clinical testing. Allele origin: germline.
Comment: Variant summary: ACAN c.6451G>A (p.Gly2151Ser) results in a non-conservative amino acid change in the encoded protein sequence. Algorithms developed to predict the effect of missense changes on protein structure and function are either unavailable or do not agree on the potential impact of this missense change. The variant allele was found at a frequency of 4.4e-05 in 249166 control chromosomes. This frequency is not significantly higher than estimated for disease-causing variants in ACAN, allowing no conclusion about variant significance. To our knowledge, no occurrence of c.6451G>A in individuals affected with ACAN-related conditions and no experimental evidence demonstrating its impact on protein function have been reported. ClinVar contains an entry for this variant (Variation ID: 2325929). Based on the evidence outlined above, the variant was classified as uncertain significance.

Ambry Genetics
Classification: Uncertain significance for Inborn genetic diseases. Last evaluated: 2024-04-12. Review status: criteria provided, single submitter. Criteria: Ambry Variant Classification Scheme 2023. Collection method: clinical testing. Allele origin: germline.